The following is an entry in ClinVar:

ClinVar aggregate classification (germline): Uncertain significance (1 of 4 stars; one submission).

gnomAD v4.1: 2 of 1,613,968 alleles (0.00012%); highest among the groups gnomAD compares: Admixed American, 0.0033%; no homozygotes.

Submission:

Labcorp Genetics (formerly Invitae), Labcorp
Classification: Uncertain significance. Last evaluated: 2025-11-03. Review status: criteria provided, single submitter. Criteria: Invitae Variant Classification Sherloc (09022015). Collection method: clinical testing. Allele origin: germline.
Comment: This sequence change replaces proline, which is neutral and non-polar, with alanine, which is neutral and non-polar, at codon 2027 of the VCAN protein (p.Pro2027Ala). This variant is not present in population databases (gnomAD no frequency). This variant has not been reported in the literature in individuals affected with VCAN-related conditions. An algorithm developed to predict the effect of missense changes on protein structure and function (PolyPhen-2) suggests that this variant is likely to be disruptive. In summary, the available evidence is currently insufficient to determine the role of this variant in disease. Therefore, it has been classified as a Variant of Uncertain Significance.

NM_004385.5(VCAN):c.6079C>G (p.Pro2027Ala)

Genes: VCAN (versican; plus strand), VCAN-AS1 (VCAN antisense RNA 1; minus strand). Cytogenetic location: 5q14.3.
Variant type: single nucleotide variant.
Coding change: c.6079C>G on transcript NM_004385.5 (MANE Select); coding-DNA position 6079, C replaced by G.
Protein change: p.Pro2027Ala; replaces proline 2027 with alanine.
Molecular consequence: missense variant. On other transcripts: intron variant (2).
Genome position (GRCh38, 1-based): chr5:83,539,082, C>G. VCF-style: chr5-83539082-C-G. GRCh37 (hg19) VCF-style: chr5-82834901-C-G.
Other names: c.3118C>G, p.Pro1040Ala (NM_001164097.2); c.4004-6455C>G (NM_001164098.2); c.1043-6455C>G (NM_001126336.3); short protein forms P1040A, P2027A.
Identifiers: ClinVar variation 4765254 (VCV004765254.1).